The following is an entry in ClinVar:

ClinVar aggregate classification (germline): Pathogenic. Review status: criteria provided, multiple submitters, no conflicts (2 of 4 stars). 3 submissions from 3 submitters: Pathogenic (3). Last evaluated 2023-06-28.

Conditions:
Hereditary cancer-predisposing syndrome. Also called: Hereditary neoplastic syndrome; Tumor predisposition; Neoplastic Syndromes, Hereditary; Hereditary Cancer Syndrome. Identifiers: Orphanet 140162, MedGen C0027672, MeSH D009386, MONDO:0015356.
Familial cancer of breast. Also called: hereditary breast carcinoma; Hereditary breast cancer; BREAST CANCER, FAMILIAL. Identifiers: Orphanet 227535, MedGen C0346153, MONDO:0016419, OMIM 114480. Disease mechanism: loss of function.

Submissions (3):

Myriad Genetics, Inc.
Classification: Pathogenic for Familial cancer of breast. Last evaluated: 2023-06-28. Review status: criteria provided, single submitter. Criteria: Myriad Autosomal Dominant, Autosomal Recessive and X-Linked Classification Criteria (2023). Collection method: clinical testing. Allele origin: unknown.
Comment: This variant is considered pathogenic. This variant creates a frameshift predicted to result in premature protein truncation.

Labcorp Genetics (formerly Invitae), Labcorp
Classification: Pathogenic for Familial cancer of breast. Last evaluated: 2022-08-23. Review status: criteria provided, single submitter. Criteria: Invitae Variant Classification Sherloc (09022015). Collection method: clinical testing. Allele origin: germline.
Comment: For these reasons, this variant has been classified as Pathogenic. ClinVar contains an entry for this variant (Variation ID: 955563). This variant has not been reported in the literature in individuals affected with CHEK2-related conditions. This variant is not present in population databases (gnomAD no frequency). This sequence change creates a premature translational stop signal (p.Tyr404Leufs*7) in the CHEK2 gene. It is expected to result in an absent or disrupted protein product. Loss-of-function variants in CHEK2 are known to be pathogenic (PMID: 21876083, 24713400).

Ambry Genetics
Classification: Pathogenic for Hereditary cancer-predisposing syndrome. Last evaluated: 2021-02-19. Review status: criteria provided, single submitter. Criteria: Ambry Variant Classification Scheme 2023. Collection method: clinical testing. Allele origin: germline.
Comment: The c.1210_1219del10 pathogenic mutation, located in coding exon 10 of the CHEK2 gene, results from a deletion of 10 nucleotides at nucleotide positions 1210 to 1219, causing a translational frameshift with a predicted alternate stop codon (p.Y404Lfs*7). This alteration is expected to result in loss of function by premature protein truncation or nonsense-mediated mRNA decay. As such, this alteration is interpreted as a disease-causing mutation.

Literature cited by the submitters: PubMed 21876083 (cited by Labcorp Genetics (formerly Invitae), Labcorp); PubMed 24713400 (cited by Labcorp Genetics (formerly Invitae), Labcorp).

NM_007194.4(CHEK2):c.1210_1219del (p.Tyr404fs)

Gene: CHEK2 (checkpoint kinase 2; minus strand). Cytogenetic location: 22q12.1.
Variant type: Deletion.
Coding change: c.1210_1219del on transcript NM_007194.4 (MANE Select); coding-DNA positions 1210 to 1219, 10 bases deleted (TATAACCGTG; older notation c.1210_1219delTATAACCGTG).
Protein change: p.Tyr404fs; shifts the reading frame from tyrosine 404.
Molecular consequence: frameshift variant.
Genome position (GRCh38, 1-based): chr22:28,695,750-28,695,759, CACGGTTATA deleted on the plus strand (TATAACCGTG on the coding strand, the reverse complement: CHEK2 is on the minus strand); deleting any 10 consecutive bases within chr22:28,695,750-28,695,760 gives the same sequence; the c. name uses the placement nearest the transcript's 3' end. VCF-style (leftmost placement, unchanged base first): chr22-28695749-GCACGGTTATA-G. GRCh37 (hg19) VCF-style: chr22-29091737-GCACGGTTATA-G.
Other names: c.1210_1219del10 (NM_007194.3); c.1338_1347delGTATAACCGT, p.Tyr447Leufs (NM_001005735.3); c.546_555delGTATAACCGT, p.Tyr183Leufs (NM_001257387.3); c.1008_1017delGTATAACCGT, p.Tyr337Leufs (NM_001349956.3); c.1122_1131delGTATAACCGT, p.Tyr375Leufs (NM_145862.3); short protein forms Y337fs, Y404fs, Y183fs, Y375fs, Y447fs.
Identifiers: ClinVar variation 955563 (VCV000955563.12), dbSNP rs2052553224, ClinGen allele CA1139667018.